The following is an entry in ClinVar:

NM_032119.4(ADGRV1):c.2734+8A>G

Gene: ADGRV1 (adhesion G protein-coupled receptor V1; plus strand). Cytogenetic location: 5q14.3.
Variant type: single nucleotide variant.
Coding change: c.2734+8A>G on transcript NM_032119.4 (MANE Select); 8 bases into the intron after coding-DNA position 2734, A replaced by G.
Molecular consequence: intron variant.
Genome position (GRCh38, 1-based): chr5:90,643,991, A>G. VCF-style: chr5-90643991-A-G. GRCh37 (hg19) VCF-style: chr5-89939808-A-G.
Identifiers: ClinVar variation 211099 (VCV000211099.26), dbSNP rs371906040, ClinGen allele CA209905.

ClinVar aggregate classification (germline): Conflicting classifications of pathogenicity. Review status: criteria provided, conflicting classifications (1 of 4 stars). 6 submissions from 6 submitters: Uncertain significance (2); Likely benign (4). Last evaluated 2025-09-28.

Conditions:
ADGRV1-related disorder. Also called: ADGRV1-related condition; ADGRV1-related disorders.

Allele frequency attached by ClinVar (database versions not stated): gnomAD exomes 0.00001 and 0.00003; ExAC 0.00006; TOPMed 0.00017; gnomAD 0.00019; ESP Exome Variant Server 0.00034.
gnomAD v4.1: 46 of 1,549,658 alleles (0.003%); highest among the groups gnomAD compares: African/African-American, 0.054%; no homozygotes.

Submissions (6):

Labcorp Genetics (formerly Invitae), Labcorp
Classification: Likely benign. Last evaluated: 2025-09-28. Review status: criteria provided, single submitter. Criteria: Invitae Variant Classification Sherloc (09022015). Collection method: clinical testing. Allele origin: germline.

PreventionGenetics, part of Exact Sciences
Classification: Likely benign for ADGRV1-related condition. Last evaluated: 2025-04-08. Review status: criteria provided, single submitter. Criteria: ACMG Guidelines, 2015. Collection method: clinical testing. Allele origin: germline.
Comment: This variant is classified as likely benign based on ACMG/AMP sequence variant interpretation guidelines (Richards et al. 2015 PMID: 25741868, with internal and published modifications).

Blueprint Genetics
Classification: Likely benign. Last evaluated: 2023-06-30. Review status: criteria provided, single submitter. Criteria: ACMG Guidelines, 2015. Collection method: clinical testing. Allele origin: germline.

Laboratory for Molecular Medicine, Mass General Brigham Personalized Medicine
Classification: Likely benign. Last evaluated: 2017-12-21. Review status: criteria provided, single submitter. Criteria: LMM Criteria. Collection method: clinical testing. Allele origin: germline. Observed: 1 variant allele.
Comment: c.2734+8A>G in Intron 14 of GPR98: This variant is not expected to have clinical significance because it is not located within the conserved splice consensus se quence and has been identified in 10/23230 African chromosomes by the Genome Agg regation Database (gnomAD; dbSNP rs371906040). ACMG/AMP criteria applied: BP7.

Eurofins Ntd Llc (ga)
Classification: Uncertain significance. Last evaluated: 2016-07-28. Review status: criteria provided, single submitter. Criteria: EGL Classification Definitions 2015. Collection method: clinical testing. Allele origin: germline. Observed: 1 variant allele, 1 heterozygote.

Genetic Services Laboratory, University of Chicago
Classification: Uncertain significance. Last evaluated: 2015-05-26. Review status: criteria provided, single submitter. Criteria: ACMG Guidelines, 2015. Collection method: clinical testing. Allele origin: germline.